The following is an entry in ClinVar:

ClinVar aggregate classification (germline): Uncertain significance. Review status: criteria provided, multiple submitters, no conflicts (2 of 4 stars). 2 submissions from 2 submitters: Uncertain significance (2). Last evaluated 2024-09-20.

Conditions:
Hereditary diffuse gastric adenocarcinoma (HDGC). Also called: DIFFUSE GASTRIC AND LOBULAR BREAST CANCER SYNDROME. Identifiers: Orphanet 26106, MedGen C1708349, MONDO:0007648, OMIM 137215.
Hereditary cancer-predisposing syndrome. Also called: Tumor predisposition; Hereditary Cancer Syndrome; Neoplastic Syndromes, Hereditary; Hereditary neoplastic syndrome. Identifiers: Orphanet 140162, MedGen C0027672, MeSH D009386, MONDO:0015356.

Submissions (2):

Ambry Genetics
Classification: Uncertain significance for Hereditary cancer-predisposing syndrome. Last evaluated: 2024-09-20. Review status: criteria provided, single submitter. Criteria: Ambry Variant Classification Scheme 2023. Collection method: clinical testing. Allele origin: germline.
Comment: The p.R784L variant (also known as c.2351G>T), located in coding exon 15 of the CDH1 gene, results from a G to T substitution at nucleotide position 2351. The arginine at codon 784 is replaced by leucine, an amino acid with dissimilar properties. This amino acid position is conserved. In addition, this alteration is predicted to be deleterious by in silico analysis. Based on the available evidence, the clinical significance of this variant remains unclear.

Labcorp Genetics (formerly Invitae), Labcorp
Classification: Uncertain significance for Hereditary diffuse gastric adenocarcinoma. Last evaluated: 2022-03-26. Review status: criteria provided, single submitter. Criteria: Invitae Variant Classification Sherloc (09022015). Collection method: clinical testing. Allele origin: germline.
Comment: In summary, the available evidence is currently insufficient to determine the role of this variant in disease. Therefore, it has been classified as a Variant of Uncertain Significance. Algorithms developed to predict the effect of missense changes on protein structure and function are either unavailable or do not agree on the potential impact of this missense change (SIFT: "Deleterious"; PolyPhen-2: "Probably Damaging"; Align-GVGD: "Class C0"). This variant has not been reported in the literature in individuals affected with CDH1-related conditions. This variant is not present in population databases (gnomAD no frequency). This sequence change replaces arginine, which is basic and polar, with leucine, which is neutral and non-polar, at codon 784 of the CDH1 protein (p.Arg784Leu).

NM_004360.5(CDH1):c.2351G>T (p.Arg784Leu)

Gene: CDH1 (cadherin 1; plus strand). Cytogenetic location: 16q22.1.
Variant type: single nucleotide variant.
Coding change: c.2351G>T on transcript NM_004360.5 (MANE Select); coding-DNA position 2351, G replaced by T.
Protein change: p.Arg784Leu; replaces arginine 784 with leucine.
Molecular consequence: missense variant.
Genome position (GRCh38, 1-based): chr16:68,829,709, G>T. VCF-style: chr16-68829709-G-T. GRCh37 (hg19) VCF-style: chr16-68863612-G-T.
Other names: c.2168G>T, p.Arg723Leu (NM_001317184.2); c.803G>T, p.Arg268Leu (NM_001317185.2); c.386G>T, p.Arg129Leu (NM_001317186.2); short protein forms R723L, R129L, R268L, R784L.
Identifiers: ClinVar variation 2116737 (VCV002116737.5), dbSNP rs763203357, ClinGen allele CA396471004.
Genomic context (GRCh38, chr16:68,829,709, plus strand): 5'-CAAAGGACTTTGACTTGAGCCAGCTGCACAGGGGCCTGGACGCTCGGCCTGAAGTGACTC[G>T]TAACGACGTTGCACCAACCCTCATGAGTGTCCCCCGGTATCTTCCCCGCCCTGCCAATCC-3'
Protein context (NP_004351.1, residues 774-794): RGLDARPEVT[Arg784Leu]NDVAPTLMSV